The following is an entry in ClinVar:

NM_024334.3(TMEM43):c.163G>A (p.Gly55Ser)

Gene: TMEM43 (transmembrane protein 43; plus strand). Cytogenetic location: 3p25.1.
Variant type: single nucleotide variant.
Coding change: c.163G>A on transcript NM_024334.3 (MANE Select); coding-DNA position 163, G replaced by A.
Protein change: p.Gly55Ser; replaces glycine 55 with serine.
Molecular consequence: missense variant. On other transcripts: intron variant (1).
Genome position (GRCh38, 1-based): chr3:14,130,822, G>A. VCF-style: chr3-14130822-G-A. GRCh37 (hg19) VCF-style: chr3-14172322-G-A.
Other names: c.163G>A, p.Gly55Ser (NM_001407274.1, NM_001407275.1, NM_001407276.1 and 2 more transcripts); c.13G>A, p.Gly5Ser (NM_001407280.1); c.163-15G>A (NM_001407278.1); short protein forms G55S, G5S.
Identifiers: ClinVar variation 3617567 (VCV003617567.2).
Genomic context (GRCh38, chr3:14,130,822, plus strand): 5'-AGCACAGTCATGCTGAGCCACCCCTGAGCTGTTGAAATCCCCACTCCCCTTTGCTCCCAG[G>A]GCCGCGCATTGAAGACGGCAACCTCATTGGCTGAGGGGCTCTCGCTTGTGGTGTCTCCCG-3'
Protein context (NP_077310.1, residues 45-65): LSFYLIFTNE[Gly55Ser]RALKTATSLA

ClinVar aggregate classification (germline): Uncertain significance (1 of 4 stars; one submission).

Conditions:
Arrhythmogenic right ventricular dysplasia 5. Also called: Arrhythmogenic Right Ventricular Dysplasia/Cardiomyopathy 5; ARRHYTHMOGENIC RIGHT VENTRICULAR DYSPLASIA, FAMILIAL, 5. Identifiers: MedGen C1858379, MONDO:0011459, OMIM 604400.

gnomAD v4.1: 2 of 1,613,612 alleles (0.00012%); highest among the groups gnomAD compares: Non-Finnish European, 0.00017%; no homozygotes.

Submission:

Labcorp Genetics (formerly Invitae), Labcorp
Classification: Uncertain significance for Arrhythmogenic right ventricular dysplasia 5. Last evaluated: 2024-07-30. Review status: criteria provided, single submitter. Criteria: Invitae Variant Classification Sherloc (09022015). Collection method: clinical testing. Allele origin: germline.
Comment: This sequence change replaces glycine, which is neutral and non-polar, with serine, which is neutral and polar, at codon 55 of the TMEM43 protein (p.Gly55Ser). This variant is not present in population databases (gnomAD no frequency). This variant has not been reported in the literature in individuals affected with TMEM43-related conditions. An algorithm developed to predict the effect of missense changes on protein structure and function (PolyPhen-2) suggests that this variant is likely to be disruptive. In summary, the available evidence is currently insufficient to determine the role of this variant in disease. Therefore, it has been classified as a Variant of Uncertain Significance.